The following is an entry in ClinVar:

ClinVar aggregate classification (germline): Benign. Review status: criteria provided, multiple submitters, no conflicts (2 of 4 stars). 3 submissions from 3 submitters: Benign (2). 1 of the submissions does not count toward it. Last evaluated 2026-02-02.

Conditions:
ERBIN-related disorder. Also called: ERBIN-related condition.

Allele frequency attached by ClinVar (database versions not stated): gnomAD exomes 0.00155; ExAC 0.00217; gnomAD 0.00634 and 0.00675; 1000 Genomes Project 0.00659; TOPMed 0.00674; ESP Exome Variant Server 0.00715; 1000 Genomes Project 30x 0.00750.
gnomAD v4.1: 1,793 of 1,595,390 alleles (0.11%); highest among the groups gnomAD compares: African/African-American, 2.1%; 23 homozygotes.

Submissions (3):

Labcorp Genetics (formerly Invitae), Labcorp
Classification: Benign. Last evaluated: 2026-02-02. Review status: criteria provided, single submitter. Criteria: Invitae Variant Classification Sherloc (09022015). Collection method: clinical testing. Allele origin: germline.

Breakthrough Genomics
Classification: Benign. Review status: criteria provided, single submitter. Criteria: ACMG Guidelines, 2015. Collection method: not provided. Allele origin: germline. Inheritance: Unknown mechanism. Affected: yes.

PreventionGenetics, part of Exact Sciences
Classification: Benign for ERBIN-related condition. Last evaluated: 2019-08-09. Review status: no assertion criteria provided. Collection method: clinical testing. Allele origin: germline. Not counted in ClinVar's aggregate classification.
Comment: This variant is classified as benign based on ACMG/AMP sequence variant interpretation guidelines (Richards et al. 2015 PMID: 25741868, with internal and published modifications).

NM_001253697.2(ERBIN):c.965C>T (p.Thr322Ile)

Gene: ERBIN (erbb2 interacting protein; plus strand). Cytogenetic location: 5q12.3.
Variant type: single nucleotide variant.
Coding change: c.965C>T on transcript NM_001253697.2 (MANE Select); coding-DNA position 965, C replaced by T.
Protein change: p.Thr322Ile; replaces threonine 322 with isoleucine.
Molecular consequence: missense variant.
Genome position (GRCh38, 1-based): chr5:66,025,922, C>T. VCF-style: chr5-66025922-C-T. GRCh37 (hg19) VCF-style: chr5-65321750-C-T.
Other names: c.965C>T, p.Thr322Ile (NM_001006600.3, NM_001253698.2, NM_001253699.2 and 2 more transcripts); c.965C>T (NM_001006600.2); short protein forms T322I.
Identifiers: ClinVar variation 780539 (VCV000780539.12), dbSNP rs116351822, ClinGen allele CA3286109.